The following is an entry in ClinVar:

NM_001164508.2(NEB):c.1781A>T (p.Asp594Val)

Gene: NEB (nebulin; minus strand). Cytogenetic location: 2q23.3.
Variant type: single nucleotide variant.
Coding change: c.1781A>T on transcript NM_001164508.2 (MANE Select); coding-DNA position 1781, A replaced by T.
Protein change: p.Asp594Val; replaces aspartic acid 594 with valine.
Molecular consequence: missense variant.
Genome position (GRCh38, 1-based): chr2:151,694,523, T>A on the plus strand (A>T on the coding strand, the complement: NEB is on the minus strand). VCF-style: chr2-151694523-T-A. GRCh37 (hg19) VCF-style: chr2-152551037-T-A.
Other names: c.1781A>T, p.Asp594Val (NM_001164507.2, NM_001271208.2, NM_004543.5); short protein forms D594V.
Identifiers: ClinVar variation 2183220 (VCV002183220.1), dbSNP rs746963507, ClinGen allele CA1911455.

ClinVar aggregate classification (germline): Uncertain significance (1 of 4 stars; one submission).

Conditions:
Nemaline myopathy 2 (NEM2). Also called: Nemaline myopathy 2, autosomal recessive. Identifiers: MedGen C1850569, MONDO:0009725, OMIM 256030.

Allele frequency attached by ClinVar (database versions not stated): gnomAD exomes below 0.00001; TOPMed below 0.00001; ExAC 0.00001.
gnomAD v4.1: 2 of 1,613,610 alleles (0.00012%); highest among the groups gnomAD compares: East Asian, 0.0045%; no homozygotes.

Submission:

Labcorp Genetics (formerly Invitae), Labcorp
Classification: Uncertain significance for Nemaline myopathy 2. Last evaluated: 2021-09-01. Review status: criteria provided, single submitter. Criteria: Invitae Variant Classification Sherloc (09022015). Collection method: clinical testing. Allele origin: germline.
Comment: This sequence change replaces aspartic acid with valine at codon 594 of the NEB protein (p.Asp594Val). The aspartic acid residue is moderately conserved and there is a large physicochemical difference between aspartic acid and valine. This variant is present in population databases (rs746963507, ExAC 0.01%). This variant has not been reported in the literature in individuals affected with NEB-related conditions. Algorithms developed to predict the effect of missense changes on protein structure and function are either unavailable or do not agree on the potential impact of this missense change (SIFT: "Deleterious"; PolyPhen-2: "Not Available"; Align-GVGD: "Class C0"). Algorithms developed to predict the effect of sequence changes on RNA splicing suggest that this variant may disrupt the consensus splice site. In summary, the available evidence is currently insufficient to determine the role of this variant in disease. Therefore, it has been classified as a Variant of Uncertain Significance.